The following is an entry in ClinVar:

ClinVar aggregate classification (germline): Likely pathogenic (1 of 4 stars; one submission).

Submission:

Labcorp Genetics (formerly Invitae), Labcorp
Classification: Likely pathogenic. Last evaluated: 2025-10-03. Review status: criteria provided, single submitter. Criteria: Invitae Variant Classification Sherloc (09022015). Collection method: clinical testing. Allele origin: germline.
Comment: This sequence change affects a donor splice site in intron 35 of the COL11A1 gene. It is expected to disrupt RNA splicing. Variants that disrupt the donor or acceptor splice site typically lead to a loss of protein function (PMID: 16199547), and loss-of-function variants in COL11A1 are known to be pathogenic (PMID: 20513134, 21035103, 23922384, 25240749, 32427345, 32756486). This variant is not present in population databases (gnomAD no frequency). This variant has not been reported in the literature in individuals affected with COL11A1-related conditions. Algorithms developed to predict the effect of sequence changes on RNA splicing suggest that this variant may disrupt the consensus splice site. In summary, the currently available evidence indicates that the variant is pathogenic, but additional data are needed to prove that conclusively. Therefore, this variant has been classified as Likely Pathogenic.

Literature cited by the submitters: PubMed 16199547; PubMed 20513134; PubMed 21035103; PubMed 23922384; PubMed 25240749; PubMed 32427345; PubMed 32756486.

NM_001854.4(COL11A1):c.2754+1G>A

Gene: COL11A1 (collagen type XI alpha 1 chain; minus strand). Cytogenetic location: 1p21.1.
Variant type: single nucleotide variant.
Coding change: c.2754+1G>A on transcript NM_001854.4 (MANE Select); the canonical splice donor site of the intron after coding-DNA position 2754, G replaced by A.
Molecular consequence: splice donor variant.
Genome position (GRCh38, 1-based): chr1:102,978,707, C>T on the plus strand (G>A on the coding strand, the complement: COL11A1 is on the minus strand). VCF-style: chr1-102978707-C-T. GRCh37 (hg19) VCF-style: chr1-103444263-C-T.
Other names: c.2637+1G>A (NM_001190709.2); c.2790+1G>A (NM_080629.3); c.2406+1G>A (NM_080630.4).
Identifiers: ClinVar variation 4728368 (VCV004728368.1).